The following is an entry in ClinVar:

NM_017617.5(NOTCH1):c.2936A>G (p.His979Arg)

Gene: NOTCH1 (notch receptor 1; minus strand). Cytogenetic location: 9q34.3.
Variant type: single nucleotide variant.
Coding change: c.2936A>G on transcript NM_017617.5 (MANE Select); coding-DNA position 2936, A replaced by G.
Protein change: p.His979Arg; replaces histidine 979 with arginine.
Molecular consequence: missense variant.
Genome position (GRCh38, 1-based): chr9:136,509,766, T>C on the plus strand (A>G on the coding strand, the complement: NOTCH1 is on the minus strand). VCF-style: chr9-136509766-T-C. GRCh37 (hg19) VCF-style: chr9-139404218-T-C.
Other names: short protein forms H979R.
Identifiers: ClinVar variation 4775964 (VCV004775964.1).

ClinVar aggregate classification (germline): Uncertain significance (1 of 4 stars; one submission).

Conditions:
Adams-Oliver syndrome 5 (AOS5). Identifiers: Orphanet 974, MedGen C4014970, MONDO:0014459, OMIM 616028.

Submission:

Labcorp Genetics (formerly Invitae), Labcorp
Classification: Uncertain significance for Adams-Oliver syndrome 5. Last evaluated: 2025-12-19. Review status: criteria provided, single submitter. Criteria: Invitae Variant Classification Sherloc (09022015). Collection method: clinical testing. Allele origin: germline.
Comment: This sequence change replaces histidine, which is basic and polar, with arginine, which is basic and polar, at codon 979 of the NOTCH1 protein (p.His979Arg). This variant is not present in population databases (gnomAD no frequency). This variant has not been reported in the literature in individuals affected with NOTCH1-related conditions. Invitae Evidence Modeling of protein sequence and biophysical properties (such as structural, functional, and spatial information, amino acid conservation, physicochemical variation, residue mobility, and thermodynamic stability) indicates that this missense variant is not expected to disrupt NOTCH1 protein function with a negative predictive value of 80%. In summary, the available evidence is currently insufficient to determine the role of this variant in disease. Therefore, it has been classified as a Variant of Uncertain Significance.